The following is an entry in ClinVar:

ClinVar aggregate classification (germline): Uncertain significance (1 of 4 stars; one submission).

Submission:

Labcorp Genetics (formerly Invitae), Labcorp
Classification: Uncertain significance. Last evaluated: 2025-11-25. Review status: criteria provided, single submitter. Criteria: Invitae Variant Classification Sherloc (09022015). Collection method: clinical testing. Allele origin: germline.
Comment: This sequence change falls in intron 7 of the ALPK3 gene. It does not directly change the encoded amino acid sequence of the ALPK3 protein. It affects a nucleotide within the consensus splice site. This variant is not present in population databases (gnomAD no frequency). This variant has not been reported in the literature in individuals affected with ALPK3-related conditions. Variants that disrupt the consensus splice site are a relatively common cause of aberrant splicing (PMID: 17576681, 9536098). Algorithms developed to predict the effect of sequence changes on RNA splicing suggest that this variant may create or strengthen a splice site. In summary, the available evidence is currently insufficient to determine the role of this variant in disease. Therefore, it has been classified as a Variant of Uncertain Significance.

Literature cited by the submitters: PubMed 17576681; PubMed 9536098.

NM_020778.5(ALPK3):c.3965+4A>T

Gene: ALPK3 (alpha kinase 3; plus strand). Cytogenetic location: 15q25.3.
Variant type: single nucleotide variant.
Coding change: c.3965+4A>T on transcript NM_020778.5 (MANE Select); 4 bases into the intron after coding-DNA position 3965, A replaced by T.
Molecular consequence: intron variant.
Genome position (GRCh38, 1-based): chr15:84,859,394, A>T. VCF-style: chr15-84859394-A-T. GRCh37 (hg19) VCF-style: chr15-85402625-A-T.
Identifiers: ClinVar variation 4768183 (VCV004768183.1).